The following is an entry in ClinVar:

NM_144997.7(FLCN):c.1539-16T>G

Gene: FLCN (folliculin; minus strand). Cytogenetic location: 17p11.2.
Variant type: single nucleotide variant.
Coding change: c.1539-16T>G on transcript NM_144997.7 (MANE Select); 16 bases into the intron before coding-DNA position 1539, T replaced by G.
Molecular consequence: intron variant.
Genome position (GRCh38, 1-based): chr17:17,213,872, A>C on the plus strand (T>G on the coding strand, the complement: FLCN is on the minus strand). VCF-style: chr17-17213872-A-C. GRCh37 (hg19) VCF-style: chr17-17117186-A-C.
Other names: c.1539-16T>G (NM_001353231.2, NM_001353230.2); c.1593-16T>G (NM_001353229.2).
Identifiers: ClinVar variation 1600813 (VCV001600813.10), dbSNP rs553673947, ClinGen allele CA8415938.

ClinVar aggregate classification (germline): Conflicting classifications of pathogenicity. Review status: criteria provided, conflicting classifications (1 of 4 stars). 3 submissions from 3 submitters: Uncertain significance (1); Benign (1); Likely benign (1). Last evaluated 2026-01-20.

Conditions:
Familial spontaneous pneumothorax (PSP). Identifiers: Orphanet 2903, MedGen C1868193, MONDO:0008259, OMIM 173600.
Nonpapillary renal cell carcinoma. Identifiers: Orphanet 422526, MedGen CN074294, MONDO:0007763, OMIM 144700.
Birt-Hogg-Dube syndrome 1 (BHD1). Also called: FIBROFOLLICULOMAS WITH TRICHODISCOMAS AND ACROCHORDONS. Identifiers: Orphanet 122, MedGen CN375946, MONDO:0800445, OMIM 135150.
Colorectal cancer. Also called: Colorectal cancer, somatic; Malignant Colorectal Neoplasm. Identifiers: MedGen C0346629, MONDO:0005575, OMIM 114500.
Birt-Hogg-Dube syndrome. Also called: Birt Hogg Dubé syndrome. Identifiers: Orphanet 122, MedGen C0346010, MONDO:0800444.

Allele frequency attached by ClinVar (database versions not stated): gnomAD 0.00001 and 0.00002; gnomAD exomes 0.00002 and 0.00007; TOPMed 0.00002; ExAC 0.00003; 1000 Genomes Project 0.00040; 1000 Genomes Project 30x 0.00047.
gnomAD v4.1: 30 of 1,613,552 alleles (0.0019%); highest among the groups gnomAD compares: East Asian, 0.053%; no homozygotes.

Submissions (3):

Labcorp Genetics (formerly Invitae), Labcorp
Classification: Benign for Birt-Hogg-Dube syndrome. Last evaluated: 2026-01-20. Review status: criteria provided, single submitter. Criteria: Invitae Variant Classification Sherloc (09022015). Collection method: clinical testing. Allele origin: germline.

Myriad Genetics, Inc.
Classification: Likely benign for Birt-Hogg-Dube syndrome 1. Last evaluated: 2024-08-08. Review status: criteria provided, single submitter. Criteria: Myriad Autosomal Dominant, Autosomal Recessive and X-Linked Classification Criteria (2023). Collection method: clinical testing. Allele origin: unknown.
Comment: This variant is considered likely benign. This variant is intronic and is not expected to impact mRNA splicing. This variant has been observed at a population frequency that is significantly greater than expected given the associated disease prevalence and penetrance.

Fulgent Genetics
Classification: Uncertain significance for Colorectal cancer; Birt-Hogg-Dube syndrome 1; Nonpapillary renal cell carcinoma; Familial spontaneous pneumothorax. Last evaluated: 2024-04-24. Review status: criteria provided, single submitter. Criteria: ACMG Guidelines, 2015. Collection method: clinical testing. Allele origin: germline.